The following is an entry in ClinVar:

ClinVar aggregate classification (germline): Conflicting classifications of pathogenicity. Review status: criteria provided, conflicting classifications (1 of 4 stars). 4 submissions from 4 submitters: Uncertain significance (1); Likely benign (3). Last evaluated 2025-12-26.

Conditions:
Smith-Lemli-Opitz syndrome (SLOS). Also called: POLYDACTYLY, SEX REVERSAL, RENAL HYPOPLASIA, AND UNILOBAR LUNG; RSH SYNDROME; RUTLEDGE LETHAL MULTIPLE CONGENITAL ANOMALY SYNDROME; 7-Dehydrocholesterol reductase deficiency; LETHAL ACRODYSGENITAL SYNDROME. Identifiers: Orphanet 818, MedGen C0175694, MONDO:0010035, OMIM 270400.
Inborn genetic diseases. Identifiers: MedGen C0950123, MeSH D030342.
DHCR7-related disorder. Also called: DHCR7-related condition.

Allele frequency attached by ClinVar (database versions not stated): gnomAD exomes 0.00001 and 0.00002; TOPMed 0.00002; gnomAD 0.00003.
gnomAD v4.1: 37 of 1,610,758 alleles (0.0023%); highest among the groups gnomAD compares: Non-Finnish European, 0.0029%; no homozygotes.

Submissions (4):

Labcorp Genetics (formerly Invitae), Labcorp
Classification: Likely benign for Smith-Lemli-Opitz syndrome. Last evaluated: 2025-12-26. Review status: criteria provided, single submitter. Criteria: Invitae Variant Classification Sherloc (09022015). Collection method: clinical testing. Allele origin: germline.

PreventionGenetics, part of Exact Sciences
Classification: Likely benign for DHCR7-related condition. Last evaluated: 2025-05-21. Review status: criteria provided, single submitter. Criteria: ACMG Guidelines, 2015. Collection method: clinical testing. Allele origin: germline.
Comment: This variant is classified as likely benign based on ACMG/AMP sequence variant interpretation guidelines (Richards et al. 2015 PMID: 25741868, with internal and published modifications).

Ambry Genetics
Classification: Likely benign for Inborn genetic diseases. Last evaluated: 2020-03-20. Review status: criteria provided, single submitter. Criteria: Ambry Variant Classification Scheme 2023. Collection method: clinical testing. Allele origin: germline.

Eurofins Ntd Llc (ga)
Classification: Uncertain significance. Last evaluated: 2017-09-25. Review status: criteria provided, single submitter. Criteria: EGL Classification Definitions 2015. Collection method: clinical testing. Allele origin: germline. Observed: 2 variant alleles, 2 heterozygotes.

NM_001360.3(DHCR7):c.318C>T (p.Phe106=)

Gene: DHCR7 (7-dehydrocholesterol reductase; minus strand). Cytogenetic location: 11q13.4.
Variant type: single nucleotide variant.
Coding change: c.318C>T on transcript NM_001360.3 (MANE Select); coding-DNA position 318, C replaced by T.
Protein change: p.Phe106=; no amino-acid change (phenylalanine 106 retained).
Molecular consequence: synonymous variant.
Genome position (GRCh38, 1-based): chr11:71,443,996, G>A on the plus strand (C>T on the coding strand, the complement: DHCR7 is on the minus strand). VCF-style: chr11-71443996-G-A. GRCh37 (hg19) VCF-style: chr11-71155042-G-A.
Other names: c.318C>T, p.Phe106= (NM_001163817.2).
Identifiers: ClinVar variation 594111 (VCV000594111.18), dbSNP rs1386646132, ClinGen allele CA475519984.
Genomic context (GRCh38, chr11:71,443,996, plus strand): 5'-GCAGGAGGGCACGCTCCCCACCTGCTGTGTCCCAACCCCAGGGCAGGGGCTGCTGACCTG[G>A]AAGGTGACCCACAAGGTATAGAGCTGGGCGGCTTTCCTCGTTATAGGTGGAGTCTTGGCC-3'
Protein context (NP_001351.2, residues 96-116): AAQLYTLWVT[Phe106=]QVLLYTSLPD